The following is an entry in ClinVar:

ClinVar aggregate classification (germline): Pathogenic/Likely pathogenic. Review status: criteria provided, multiple submitters, no conflicts (2 of 4 stars). 5 submissions from 5 submitters: Pathogenic (4); Likely pathogenic (1). Last evaluated 2024-08-20.

Conditions:
Wilms tumor 1 (WT1). Also called: Wilms tumor, somatic. Identifiers: Orphanet 654, MedGen CN033288, MONDO:0008679, OMIM 194070.
Pancreatic cancer, susceptibility to, 2. Identifiers: Orphanet 1333, MedGen C3150546, MONDO:0013235, OMIM 613347.
Glioma susceptibility 3 (GLM3). Also called: Glioblastoma 3. Identifiers: Orphanet 182067, Orphanet 360, MedGen C2751641, MONDO:0013093, OMIM 613029.
Familial cancer of breast. Also called: BREAST CANCER, FAMILIAL; hereditary breast carcinoma; Hereditary breast cancer. Identifiers: Orphanet 227535, MedGen C0346153, MONDO:0016419, OMIM 114480. Disease mechanism: loss of function.
Breast-ovarian cancer, familial, susceptibility to, 2 (BROVCA2). Also called: BRCA2 Hereditary Breast and Ovarian Cancer. Identifiers: Orphanet 145, MedGen C2675520, MONDO:0012933, OMIM 612555. Disease mechanism: loss of function.
Fanconi anemia complementation group D1. Also called: BRCA2-Related Fanconi Anemia. Identifiers: Orphanet 319462, MedGen C1838457, MONDO:0011584, OMIM 605724.
Prostate cancer. Also called: Malignant tumor of prostate. Identifiers: Orphanet 1331, MedGen C0376358, MONDO:0008315, HP:0012125.
Medulloblastoma (MDB). Also called: Medulloblastoma, somatic; MEDULLOBLASTOMA PREDISPOSITION SYNDROME. Identifiers: Orphanet 616, MedGen C0025149, MeSH D008527, MONDO:0007959, OMIM 155255, HP:0002885.
Hereditary breast ovarian cancer syndrome. Also called: Hereditary breast and ovarian cancer syndrome; Hereditary breast and ovarian cancer syndrome (HBOC); BRCA1- and BRCA2-Associated Hereditary Breast and Ovarian Cancer; Hereditary breast and ovarian cancer; Breast and ovarian cancer; Hereditary breast and/or ovarian cancer syndrome. Identifiers: Orphanet 145, MedGen C0677776, MeSH D061325, MONDO:0003582. Disease mechanism: loss of function.
Hereditary cancer-predisposing syndrome. Also called: Neoplastic Syndromes, Hereditary; Hereditary neoplastic syndrome; Tumor predisposition; Hereditary Cancer Syndrome. Identifiers: Orphanet 140162, MedGen C0027672, MeSH D009386, MONDO:0015356.

Submissions (5):

Labcorp Genetics (formerly Invitae), Labcorp
Classification: Pathogenic for Hereditary breast ovarian cancer syndrome. Last evaluated: 2024-08-20. Review status: criteria provided, single submitter. Criteria: Invitae Variant Classification Sherloc (09022015). Collection method: clinical testing. Allele origin: germline.
Comment: This sequence change creates a premature translational stop signal (p.Leu204Profs*2) in the BRCA2 gene. It is expected to result in an absent or disrupted protein product. Loss-of-function variants in BRCA2 are known to be pathogenic (PMID: 20104584). This variant is not present in population databases (gnomAD no frequency). This variant has not been reported in the literature in individuals affected with BRCA2-related conditions. ClinVar contains an entry for this variant (Variation ID: 576367). RNA analysis performed to evaluate the impact of this premature translational stop signal on mRNA splicing indicates it does not significantly alter splicing (Invitae). For these reasons, this variant has been classified as Pathogenic.

Ambry Genetics
Classification: Pathogenic for Hereditary cancer-predisposing syndrome. Last evaluated: 2023-08-31. Review status: criteria provided, single submitter. Criteria: Ambry Variant Classification Scheme 2023. Collection method: clinical testing. Allele origin: germline.
Comment: The c.610dupC pathogenic mutation, located in coding exon 6 of the BRCA2 gene, results from a duplication of C at nucleotide position 610, causing a translational frameshift with a predicted alternate stop codon (p.L204Pfs*2). This alteration is expected to result in loss of function by premature protein truncation or nonsense-mediated mRNA decay. As such, this alteration is interpreted as a disease-causing mutation.

Color Diagnostics, LLC DBA Color Health
Classification: Pathogenic for Hereditary cancer-predisposing syndrome. Last evaluated: 2023-06-20. Review status: criteria provided, single submitter. Criteria: ACMG Guidelines, 2015. Collection method: clinical testing. Allele origin: germline.
Comment: This variant inserts 1 nucleotide in exon 7 of the BRCA2 gene, creating a frameshift and premature translation stop signal. This variant is expected to result in an absent or non-functional protein product. To our knowledge, this variant has not been reported in individuals affected with BRCA2-related disorders in the literature. This variant has not been identified in the general population by the Genome Aggregation Database (gnomAD). Loss of BRCA2 function is a known mechanism of disease. Based on the available evidence, this variant is classified as Pathogenic.

Quest Diagnostics Nichols Institute San Juan Capistrano
Classification: Likely pathogenic. Last evaluated: 2023-01-30. Review status: criteria provided, single submitter. Criteria: Quest Diagnostics criteria. Collection method: clinical testing. Allele origin: unknown.
Comment: This frameshift variant alters the translational reading frame of the BRCA2 mRNA and is predicted to cause the premature termination of BRCA2 protein synthesis. The variant has not been reported in individuals with BRCA2-related diseases in the published literature. It also has not been reported in large, multi-ethnic general populations. Based on the available information, this variant is classified as likely pathogenic.

Fulgent Genetics
Classification: Pathogenic for Familial cancer of breast; Medulloblastoma; Familial prostate cancer; Wilms tumor 1; Fanconi anemia complementation group D1; Breast-ovarian cancer, familial, susceptibility to, 2; Glioma susceptibility 3; Pancreatic cancer, susceptibility to, 2. Last evaluated: 2022-04-10. Review status: criteria provided, single submitter. Criteria: ACMG Guidelines, 2015. Collection method: clinical testing. Allele origin: unknown.

Literature cited by the submitters: PubMed 20104584 (cited by Labcorp Genetics (formerly Invitae), Labcorp).

NM_000059.4(BRCA2):c.610dup (p.Leu204fs)

Gene: BRCA2 (BRCA2 DNA repair associated; plus strand). Cytogenetic location: 13q13.1.
Variant type: Duplication.
Coding change: c.610dup on transcript NM_000059.4 (MANE Select); coding-DNA position 610, one base duplicated (C; older notation c.610dupC).
Protein change: p.Leu204fs; shifts the reading frame from leucine 204.
Molecular consequence: frameshift variant.
Genome position (GRCh38, 1-based): chr13:32,326,592, C duplicated; the last of 3 consecutive C bases (chr13:32,326,590-32,326,592); duplicating any one gives the same sequence. VCF-style (leftmost placement, unchanged base first): chr13-32326589-A-AC. GRCh37 (hg19) VCF-style: chr13-32900726-A-AC.
Other names: c.610dupC (NM_000059.3); short protein forms L204fs.
Identifiers: ClinVar variation 576367 (VCV000576367.15), dbSNP rs80359560, ClinGen allele CA891843614.